The following is an entry in ClinVar:

NM_001385125.1(OPN1SW):c.665G>A (p.Arg222Lys)

Gene: OPN1SW (opsin 1, short wave sensitive; minus strand). Cytogenetic location: 7q32.1.
Variant type: single nucleotide variant.
Coding change: c.665G>A on transcript NM_001385125.1 (MANE Select); coding-DNA position 665, G replaced by A.
Protein change: p.Arg222Lys; replaces arginine 222 with lysine.
Molecular consequence: missense variant.
Genome position (GRCh38, 1-based): chr7:128,774,511, C>T on the plus strand (G>A on the coding strand, the complement: OPN1SW is on the minus strand). VCF-style: chr7-128774511-C-T. GRCh37 (hg19) VCF-style: chr7-128414565-C-T.
Other names: short protein forms R222K.
Identifiers: ClinVar variation 2818130 (VCV002818130.3), dbSNP rs2536291006, ClinGen allele CA369218314.

ClinVar aggregate classification (germline): Uncertain significance (1 of 4 stars; one submission).

Submission:

Labcorp Genetics (formerly Invitae), Labcorp
Classification: Uncertain significance. Last evaluated: 2024-06-24. Review status: criteria provided, single submitter. Criteria: Invitae Variant Classification Sherloc (09022015). Collection method: clinical testing. Allele origin: germline.
Comment: This sequence change replaces arginine, which is basic and polar, with lysine, which is basic and polar, at codon 225 of the OPN1SW protein (p.Arg225Lys). This variant is not present in population databases (gnomAD no frequency). This variant has not been reported in the literature in individuals affected with OPN1SW-related conditions. An algorithm developed to predict the effect of missense changes on protein structure and function (PolyPhen-2) suggests that this variant is likely to be tolerated. In summary, the available evidence is currently insufficient to determine the role of this variant in disease. Therefore, it has been classified as a Variant of Uncertain Significance.